The following is an entry in ClinVar:

NM_000075.4(CDK4):c.841C>A (p.His281Asn)

Genes: CDK4 (cyclin dependent kinase 4; minus strand), TSPAN31 (tetraspanin 31; plus strand). Cytogenetic location: 12q14.1.
Variant type: single nucleotide variant.
Coding change: c.841C>A on transcript NM_000075.4 (MANE Select); coding-DNA position 841, C replaced by A.
Protein change: p.His281Asn; replaces histidine 281 with asparagine.
Molecular consequence: missense variant. On other transcripts: 3 prime UTR variant (3).
Genome position (GRCh38, 1-based): chr12:57,748,596, G>T on the plus strand (C>A on the coding strand, the complement: CDK4 is on the minus strand). VCF-style: chr12-57748596-G-T. GRCh37 (hg19) VCF-style: chr12-58142379-G-T.
Other names: c.*1306G>T (NM_001330168.2, NM_001330169.2, NM_005981.5); c.841C>A (NM_000075.3); short protein forms H281N.
Identifiers: ClinVar variation 1006345 (VCV001006345.7), dbSNP rs876659522, ClinGen allele CA385542534.

ClinVar aggregate classification (germline): Conflicting classifications of pathogenicity. Review status: criteria provided, conflicting classifications (1 of 4 stars). 2 submissions from 2 submitters: Uncertain significance (1); Likely benign (1). Last evaluated 2024-07-10.

Conditions:
Hereditary cancer-predisposing syndrome. Also called: Hereditary neoplastic syndrome; Neoplastic Syndromes, Hereditary; Tumor predisposition; Hereditary Cancer Syndrome. Identifiers: Orphanet 140162, MedGen C0027672, MeSH D009386, MONDO:0015356.
Familial melanoma. Also called: Hereditary melanoma; Hereditary cutaneous melanoma. Identifiers: Orphanet 618, MedGen C1512419, MONDO:0018961.

Submissions (2):

Ambry Genetics
Classification: Likely benign for Hereditary cancer-predisposing syndrome. Last evaluated: 2024-07-10. Review status: criteria provided, single submitter. Criteria: Ambry Variant Classification Scheme 2023. Collection method: clinical testing. Allele origin: germline.

Labcorp Genetics (formerly Invitae), Labcorp
Classification: Uncertain significance for Familial melanoma. Last evaluated: 2021-09-02. Review status: criteria provided, single submitter. Criteria: Invitae Variant Classification Sherloc (09022015). Collection method: clinical testing. Allele origin: germline.
Comment: This sequence change replaces histidine with asparagine at codon 281 of the CDK4 protein (p.His281Asn). The histidine residue is moderately conserved and there is a small physicochemical difference between histidine and asparagine. This variant is not present in population databases (ExAC no frequency). This variant has not been reported in the literature in individuals affected with CDK4-related conditions. Algorithms developed to predict the effect of missense changes on protein structure and function (SIFT, PolyPhen-2, Align-GVGD) all suggest that this variant is likely to be tolerated. In summary, the available evidence is currently insufficient to determine the role of this variant in disease. Therefore, it has been classified as a Variant of Uncertain Significance.